The following is an entry in ClinVar:

ClinVar aggregate classification (germline): Uncertain significance. Review status: criteria provided, multiple submitters, no conflicts (2 of 4 stars). 2 submissions from 2 submitters: Uncertain significance (2). Last evaluated 2025-01-18.

Allele frequency attached by ClinVar (database versions not stated): gnomAD 0.00001; gnomAD exomes 0.00001.
gnomAD v4.1: 4 of 1,613,734 alleles (0.00025%); highest among the groups gnomAD compares: Admixed American, 0.0017%; no homozygotes.

Submissions (2):

Ambry Genetics
Classification: Uncertain significance. Last evaluated: 2025-01-18. Review status: criteria provided, single submitter. Criteria: Ambry Variant Classification Scheme 2023. Collection method: clinical testing. Allele origin: germline.

Labcorp Genetics (formerly Invitae), Labcorp
Classification: Uncertain significance. Last evaluated: 2021-12-25. Review status: criteria provided, single submitter. Criteria: Invitae Variant Classification Sherloc (09022015). Collection method: clinical testing. Allele origin: germline.
Comment: This sequence change replaces threonine, which is neutral and polar, with alanine, which is neutral and non-polar, at codon 69 of the CCT2 protein (p.Thr69Ala). This variant is present in population databases (no rsID available, gnomAD 0.0009%). In summary, the available evidence is currently insufficient to determine the role of this variant in disease. Therefore, it has been classified as a Variant of Uncertain Significance. Algorithms developed to predict the effect of missense changes on protein structure and function are either unavailable or do not agree on the potential impact of this missense change (SIFT: "Deleterious"; PolyPhen-2: "Probably Damaging"; Align-GVGD: "Class C0"). This variant has not been reported in the literature in individuals affected with CCT2-related conditions.

NM_006431.3(CCT2):c.205A>G (p.Thr69Ala)

Gene: CCT2 (chaperonin containing TCP1 subunit 2; plus strand). Cytogenetic location: 12q15.
Variant type: single nucleotide variant.
Coding change: c.205A>G on transcript NM_006431.3 (MANE Select); coding-DNA position 205, A replaced by G.
Protein change: p.Thr69Ala; replaces threonine 69 with alanine.
Molecular consequence: missense variant.
Genome position (GRCh38, 1-based): chr12:69,587,565, A>G. VCF-style: chr12-69587565-A-G. GRCh37 (hg19) VCF-style: chr12-69981345-A-G.
Other names: c.205A>G (NM_006431.2); c.64A>G, p.Thr22Ala (NM_001198842.2); short protein forms T69A, T22A.
Identifiers: ClinVar variation 1952240 (VCV001952240.6), dbSNP rs1369534449, ClinGen allele CA385723969.